The following is an entry in ClinVar:

ClinVar aggregate classification (germline): Pathogenic (1 of 4 stars; one submission).

Conditions:
Developmental and epileptic encephalopathy, 42 (DEE42A). Also called: DEVELOPMENTAL AND EPILEPTIC ENCEPHALOPATHY 42A; EPILEPTIC ENCEPHALOPATHY, EARLY INFANTILE, 42A; Epileptic encephalopathy, early infantile, 42. Identifiers: MedGen C4310716, MONDO:0014917, OMIM 617106.
Episodic ataxia type 2 (EA2). Also called: EPISODIC ATAXIA, NYSTAGMUS-ASSOCIATED; ACETAZOLAMIDE-RESPONSIVE HEREDITARY PAROXYSMAL CEREBELLAR ATAXIA; ATAXIA, EPISODIC, WITH NYSTAGMUS; ATAXIA, FAMILIAL PAROXYSMAL; CEREBELLAR ATAXIA, PAROXYSMAL, ACETAZOLAMIDE-RESPONSIVE; CEREBELLOPATHY, HEREDITARY PAROXYSMAL. Identifiers: Orphanet 97, MedGen C1720416, MONDO:0007163, OMIM 108500.

Submission:

Labcorp Genetics (formerly Invitae), Labcorp
Classification: Pathogenic for Developmental and epileptic encephalopathy, 42; Episodic ataxia type 2. Last evaluated: 2020-02-21. Review status: criteria provided, single submitter. Criteria: Invitae Variant Classification Sherloc (09022015). Collection method: clinical testing. Allele origin: germline.
Comment: For these reasons, this variant has been classified as Pathogenic. Loss-of-function variants in CACNA1A are known to be pathogenic (PMID: 10371528, 19486177, 25735478, 27250579). This variant has not been reported in the literature in individuals with CACNA1A-related conditions. This variant is an out-of-frame deletion of the genomic region encompassing exon(s) 35-37 of the CACNA1A gene. This is expected to create a premature translational stop signal and result in an absent or disrupted protein product.

Literature cited by the submitters: PubMed 10371528; PubMed 19486177; PubMed 25735478; PubMed 27250579.

NC_000019.9:g.(?_13338225)_(13342694_?)del

Gene: CACNA1A (calcium voltage-gated channel subunit alpha1 A; minus strand). Cytogenetic location: 19p13.2.
Variant type: Deletion.
Identifiers: ClinVar variation 1070484 (VCV001070484.7).